The following is an entry in ClinVar:

ClinVar aggregate classification (germline): Uncertain significance. Review status: criteria provided, multiple submitters, no conflicts (2 of 4 stars). 4 submissions from 4 submitters: Uncertain significance (3). 1 of the submissions does not count toward it. Last evaluated 2025-11-25.

Conditions:
Inborn genetic diseases. Identifiers: MedGen C0950123, MeSH D030342.
Ornithine aminotransferase deficiency (GACR). Also called: Ornithine ketoacid aminotransferase deficiency; Gyrate atrophy; Gyrate atrophy of choroid and retina; Girate atrophy of the retina; OKT DEFICIENCY; HYPERORNITHINEMIA WITH GYRATE ATROPHY OF CHOROID AND RETINA. Identifiers: Orphanet 414, MedGen C0018425, MONDO:0009796, OMIM 258870.

Allele frequency attached by ClinVar (database versions not stated): gnomAD 0.00001; TOPMed 0.00001; gnomAD exomes 0.00002.
gnomAD v4.1: 54 of 1,614,024 alleles (0.0033%); highest among the groups gnomAD compares: Non-Finnish European, 0.0044%; no homozygotes.

Submissions (4):

Ambry Genetics
Classification: Uncertain significance for Inborn genetic diseases. Last evaluated: 2025-11-25. Review status: criteria provided, single submitter. Criteria: Ambry Variant Classification Scheme 2023. Collection method: clinical testing. Allele origin: germline.

Labcorp Genetics (formerly Invitae), Labcorp
Classification: Uncertain significance for Ornithine aminotransferase deficiency. Last evaluated: 2021-09-01. Review status: criteria provided, single submitter. Criteria: Invitae Variant Classification Sherloc (09022015). Collection method: clinical testing. Allele origin: germline.
Comment: This sequence change replaces tryptophan with arginine at codon 275 of the OAT protein (p.Trp275Arg). The tryptophan residue is weakly conserved and there is a moderate physicochemical difference between tryptophan and arginine. This variant is not present in population databases (ExAC no frequency). This variant has not been reported in the literature in individuals affected with OAT-related conditions. Algorithms developed to predict the effect of missense changes on protein structure and function (SIFT, PolyPhen-2, Align-GVGD) all suggest that this variant is likely to be tolerated. In summary, the available evidence is currently insufficient to determine the role of this variant in disease. Therefore, it has been classified as a Variant of Uncertain Significance.

Blueprint Genetics
Classification: Uncertain significance. Last evaluated: 2019-11-05. Review status: criteria provided, single submitter. Criteria: ACMG Guidelines, 2015. Collection method: clinical testing. Allele origin: germline.

Natera, Inc.
Classification: Uncertain significance for Gyrate atrophy. Last evaluated: 2021-02-01. Review status: no assertion criteria provided. Collection method: clinical testing. Allele origin: germline. Not counted in ClinVar's aggregate classification.

NM_000274.4(OAT):c.823T>A (p.Trp275Arg)

Gene: OAT (ornithine aminotransferase; minus strand). Cytogenetic location: 10q26.13.
Variant type: single nucleotide variant.
Coding change: c.823T>A on transcript NM_000274.4 (MANE Select); coding-DNA position 823, T replaced by A.
Protein change: p.Trp275Arg; replaces tryptophan 275 with arginine.
Molecular consequence: missense variant.
Genome position (GRCh38, 1-based): chr10:124,403,004, A>T on the plus strand (T>A on the coding strand, the complement: OAT is on the minus strand). VCF-style: chr10-124403004-A-T. GRCh37 (hg19) VCF-style: chr10-126091573-A-T.
Other names: c.823T>A, p.Trp275Arg (NM_001322965.2, NM_001322966.2, NM_001322967.2 and 3 more transcripts); c.502T>A, p.Trp168Arg (NM_001322971.2); c.223T>A, p.Trp75Arg (NM_001322974.2); c.823T>A (NM_000274.3); c.409T>A, p.Trp137Arg (NM_001171814.2); short protein forms W137R, W168R, W275R, W75R.
Identifiers: ClinVar variation 1055090 (VCV001055090.11), dbSNP rs947658691, ClinGen allele CA215247561.